The following is an entry in ClinVar:

ClinVar aggregate classification (germline): Benign (1 of 4 stars; one submission).

Allele frequency attached by ClinVar (database versions not stated): gnomAD 0.00038; TOPMed 0.00048.

Submission:

CeGaT Center for Human Genetics Tuebingen
Classification: Benign. Last evaluated: 2022-10-01. Review status: criteria provided, single submitter. Criteria: CeGaT Center For Human Genetics Tuebingen Variant Classification Criteria Version 2. Collection method: clinical testing. Allele origin: germline. Affected: yes. Observed: 1 variant allele.
Comment: LMNB1: BS1, BS2

NR_134488.1(LMNB1):n.304G>C

Gene: LMNB1 (lamin B1; plus strand). Cytogenetic location: 5q23.2.
Variant type: single nucleotide variant.
Molecular consequence: non-coding transcript variant (on NR_134488.1).
Genome position: GRCh38 VCF-style: chr5-126776926-G-C. GRCh37 (hg19) VCF-style: chr5-126112618-G-C.
Identifiers: ClinVar variation 350601 (VCV000350601.29), dbSNP rs763586250, ClinGen allele CA10620018.